The following is an entry in ClinVar:

NM_001098511.3(KIF2A):c.2110A>C (p.Ile704Leu)

Gene: KIF2A (kinesin family member 2A; plus strand). Cytogenetic location: 5q12.1.
Variant type: single nucleotide variant.
Coding change: c.2110A>C on transcript NM_001098511.3 (MANE Select); coding-DNA position 2110, A replaced by C.
Protein change: p.Ile704Leu; replaces isoleucine 704 with leucine.
Molecular consequence: missense variant.
Genome position (GRCh38, 1-based): chr5:62,381,214, A>C. VCF-style: chr5-62381214-A-C. GRCh37 (hg19) VCF-style: chr5-61677041-A-C.
Other names: c.1915A>C, p.Ile639Leu (NM_001243952.2); c.1939A>C, p.Ile647Leu (NM_001243953.2); c.1996A>C, p.Ile666Leu (NM_004520.5); short protein forms I666L, I639L, I647L, I704L.
Identifiers: ClinVar variation 4984003 (VCV004984003.1).

ClinVar aggregate classification (germline): Uncertain significance (1 of 4 stars; one submission).

Conditions:
KIF2A-related disorder. Also called: KIF2A-related condition.

Submission:

PreventionGenetics, part of Exact Sciences
Classification: Uncertain significance for KIF2A-related condition. Last evaluated: 2026-08-12. Review status: criteria provided, single submitter. Criteria: ACMG Guidelines, 2015. Collection method: clinical testing. Allele origin: germline.
Comment: The KIF2A c.2110A>C variant is predicted to result in the amino acid substitution p.Ile704Leu. To our knowledge, this variant has not been reported in the literature or in a large population database (gnomAD), indicating this variant is rare. At this time, the clinical significance of this variant is uncertain due to the absence of conclusive functional and genetic evidence.